The following is an entry in ClinVar:

NM_000038.6(APC):c.2050T>C (p.Leu684=)

Gene: APC (APC regulator of Wnt signaling pathway; plus strand). Cytogenetic location: 5q22.2.
Variant type: single nucleotide variant.
Coding change: c.2050T>C on transcript NM_000038.6 (MANE Select); coding-DNA position 2050, T replaced by C.
Protein change: p.Leu684=; no amino-acid change (leucine 684 retained).
Molecular consequence: synonymous variant. On other transcripts: non-coding transcript variant (2).
Genome position (GRCh38, 1-based): chr5:112,837,644, T>C. VCF-style: chr5-112837644-T-C. GRCh37 (hg19) VCF-style: chr5-112173341-T-C.
Other names: c.1801T>C, p.Leu601= (NM_001407454.1, NM_001407455.1, NM_001407456.1 and 1 more transcripts); c.1747T>C, p.Leu583= (NM_001407458.1, NM_001407459.1, NM_001407460.1 and 1 more transcripts); c.1663T>C, p.Leu555= (NM_001407467.1, NM_001407469.1); c.1201T>C, p.Leu401= (NM_001407470.1, NM_001354906.2); c.898T>C, p.Leu300= (NM_001407471.1, NM_001407472.1); c.2050T>C, p.Leu684= (NM_001127510.3, NM_001354895.2, NM_001407450.1); c.1996T>C, p.Leu666= (NM_001127511.3); c.2104T>C, p.Leu702= (NM_001354896.2, NM_001407447.1, NM_001407448.1 and 1 more transcripts); and 11 more.
Identifiers: ClinVar variation 2074094 (VCV002074094.7), dbSNP rs2149859493, ClinGen allele CA445963364.

ClinVar aggregate classification (germline): Benign/Likely benign. Review status: criteria provided, multiple submitters, no conflicts (2 of 4 stars). 3 submissions from 3 submitters: Benign (1); Likely benign (2). Last evaluated 2025-03-31.

Conditions:
Hereditary cancer-predisposing syndrome. Also called: Neoplastic Syndromes, Hereditary; Hereditary Cancer Syndrome; Tumor predisposition; Hereditary neoplastic syndrome. Identifiers: Orphanet 140162, MedGen C0027672, MeSH D009386, MONDO:0015356.
Familial adenomatous polyposis 1 (FAP1). Also called: FAMILIAL ADENOMATOUS POLYPOSIS 1, ATTENUATED; POLYPOSIS, ADENOMATOUS INTESTINAL. Identifiers: MedGen C2713442, MONDO:0021056, OMIM 175100. Disease mechanism: loss of function.

Submissions (3):

Labcorp Genetics (formerly Invitae), Labcorp
Classification: Likely benign for Familial adenomatous polyposis 1. Last evaluated: 2025-03-31. Review status: criteria provided, single submitter. Criteria: Invitae Variant Classification Sherloc (09022015). Collection method: clinical testing. Allele origin: germline.

Myriad Genetics, Inc.
Classification: Benign for Familial adenomatous polyposis 1. Last evaluated: 2024-03-08. Review status: criteria provided, single submitter. Criteria: Myriad Autosomal Dominant, Autosomal Recessive and X-Linked Classification Criteria (2023). Collection method: clinical testing. Allele origin: unknown.
Comment: This variant is considered benign. This variant is a silent/synonymous amino acid change and it is not expected to impact splicing.

Color Diagnostics, LLC DBA Color Health
Classification: Likely benign for Hereditary cancer-predisposing syndrome. Last evaluated: 2022-12-21. Review status: criteria provided, single submitter. Criteria: ACMG Guidelines, 2015. Collection method: clinical testing. Allele origin: germline.